The following is an entry in ClinVar:

NM_152296.5(ATP1A3):c.3011G>A (p.Gly1004Glu)

Gene: ATP1A3 (ATPase Na+/K+ transporting subunit alpha 3; minus strand). Cytogenetic location: 19q13.2.
Variant type: single nucleotide variant.
Coding change: c.3011G>A on transcript NM_152296.5 (MANE Select); coding-DNA position 3011, G replaced by A.
Protein change: p.Gly1004Glu; replaces glycine 1004 with glutamic acid.
Molecular consequence: missense variant.
Genome position (GRCh38, 1-based): chr19:41,967,251, C>T on the plus strand (G>A on the coding strand, the complement: ATP1A3 is on the minus strand). VCF-style: chr19-41967251-C-T. GRCh37 (hg19) VCF-style: chr19-42471403-C-T.
Other names: c.3050G>A (NM_001256214.1); c.3044G>A, p.Gly1015Glu (NM_001256213.2); c.3050G>A, p.Gly1017Glu (NM_001256214.2); short protein forms G1004E, G1017E, G1015E.
Identifiers: ClinVar variation 4175142 (VCV004175142.2).

ClinVar aggregate classification (germline): Uncertain significance. Review status: criteria provided, multiple submitters, no conflicts (2 of 4 stars). 2 submissions from 2 submitters: Uncertain significance (2). Last evaluated 2026-06-07.

Conditions:
ATP1A3-related disorder. Also called: ATP1A3-related disorders; ATP1A3-related condition. Identifiers: MedGen CN381097.
Inborn genetic diseases. Identifiers: MedGen C0950123, MeSH D030342.

gnomAD v4.1: 6 of 1,614,068 alleles (0.00037%); highest among the groups gnomAD compares: Admixed American, 0.0083%; no homozygotes.

Submissions (2):

PreventionGenetics, part of Exact Sciences
Classification: Uncertain significance for ATP1A3-related condition. Last evaluated: 2026-06-07. Review status: criteria provided, single submitter. Criteria: ACMG Guidelines, 2015. Collection method: clinical testing. Allele origin: germline.
Comment: The ATP1A3 c.3050G>A variant is predicted to result in the amino acid substitution p.Gly1017Glu. To our knowledge, this variant has not been reported in the literature. This variant is reported in 0.0087% of alleles in individuals of Latino descent in gnomAD. At this time, the clinical significance of this variant is uncertain due to the absence of conclusive functional and genetic evidence.

Ambry Genetics
Classification: Uncertain significance for Inborn genetic diseases. Last evaluated: 2025-07-22. Review status: criteria provided, single submitter. Criteria: Ambry Variant Classification Scheme 2023. Collection method: clinical testing. Allele origin: germline.